The following is an entry in ClinVar:

NM_031935.3(HMCN1):c.4188A>T (p.Lys1396Asn)

Gene: HMCN1 (hemicentin 1; plus strand). Cytogenetic location: 1q31.1.
Variant type: single nucleotide variant.
Coding change: c.4188A>T on transcript NM_031935.3 (MANE Select); coding-DNA position 4188, A replaced by T.
Protein change: p.Lys1396Asn; replaces lysine 1396 with asparagine.
Molecular consequence: missense variant.
Genome position (GRCh38, 1-based): chr1:186,001,416, A>T. VCF-style: chr1-186001416-A-T. GRCh37 (hg19) VCF-style: chr1-185970548-A-T.
Other names: short protein forms K1396N.
Identifiers: ClinVar variation 1918157 (VCV001918157.5), dbSNP rs182426048, ClinGen allele CA1291929.

ClinVar aggregate classification (germline): Uncertain significance (1 of 4 stars; one submission).

Allele frequency attached by ClinVar (database versions not stated): TOPMed below 0.00001; ExAC 0.00001; gnomAD 0.00001; gnomAD exomes 0.00001; 1000 Genomes Project 0.00020; 1000 Genomes Project 30x 0.00031.
gnomAD v4.1: 22 of 1,612,616 alleles (0.0014%); highest among the groups gnomAD compares: Admixed American, 0.0067%; no homozygotes.

Submission:

Labcorp Genetics (formerly Invitae), Labcorp
Classification: Uncertain significance. Last evaluated: 2024-11-11. Review status: criteria provided, single submitter. Criteria: Invitae Variant Classification Sherloc (09022015). Collection method: clinical testing. Allele origin: germline.
Comment: This sequence change replaces lysine, which is basic and polar, with asparagine, which is neutral and polar, at codon 1396 of the HMCN1 protein (p.Lys1396Asn). This variant is present in population databases (rs182426048, gnomAD 0.006%). This variant has not been reported in the literature in individuals affected with HMCN1-related conditions. ClinVar contains an entry for this variant (Variation ID: 1918157). An algorithm developed to predict the effect of missense changes on protein structure and function (PolyPhen-2) suggests that this variant is likely to be disruptive. In summary, the available evidence is currently insufficient to determine the role of this variant in disease. Therefore, it has been classified as a Variant of Uncertain Significance.